The following is an entry in ClinVar:

NM_012183.3(FOXD3):c.266G>A (p.Gly89Glu)

Genes: FOXD3 (forkhead box D3; plus strand), FOXD3-AS1 (FOXD3 antisense RNA 1; minus strand). Cytogenetic location: 1p31.3.
Variant type: single nucleotide variant.
Coding change: c.266G>A on transcript NM_012183.3 (MANE Select); coding-DNA position 266, G replaced by A.
Protein change: p.Gly89Glu; replaces glycine 89 with glutamic acid.
Molecular consequence: missense variant.
Genome position (GRCh38, 1-based): chr1:63,323,324, G>A. VCF-style: chr1-63323324-G-A. GRCh37 (hg19) VCF-style: chr1-63788995-G-A.
Other names: short protein forms G89E.
Identifiers: ClinVar variation 3029095 (VCV003029095.2), dbSNP rs2523547895, ClinGen allele CA340630801.

ClinVar aggregate classification (germline): Uncertain significance (0 of 4 stars; one submission).

Conditions:
FOXD3-related disorder. Also called: FOXD3-related condition.

Submission:

PreventionGenetics, part of Exact Sciences
Classification: Uncertain significance for FOXD3-related condition. Last evaluated: 2023-11-22. Review status: no assertion criteria provided. Collection method: clinical testing. Allele origin: germline.
Comment: The FOXD3 c.266G>A variant is predicted to result in the amino acid substitution p.Gly89Glu. To our knowledge, this variant has not been reported in the literature or in a large population database, indicating this variant is rare. At this time, the clinical significance of this variant is uncertain due to the absence of conclusive functional and genetic evidence.